The following is an entry in ClinVar:

NM_006739.4(MCM5):c.1091+4G>A

Gene: MCM5 (minichromosome maintenance complex component 5; plus strand). Cytogenetic location: 22q12.3.
Variant type: single nucleotide variant.
Coding change: c.1091+4G>A on transcript NM_006739.4 (MANE Select); 4 bases into the intron after coding-DNA position 1091, G replaced by A.
Molecular consequence: intron variant.
Genome position (GRCh38, 1-based): chr22:35,412,685, G>A. VCF-style: chr22-35412685-G-A. GRCh37 (hg19) VCF-style: chr22-35808678-G-A.
Identifiers: ClinVar variation 3680352 (VCV003680352.2).

ClinVar aggregate classification (germline): Uncertain significance (1 of 4 stars; one submission).

gnomAD v4.1: 8 of 1,463,220 alleles (0.00055%); highest among the groups gnomAD compares: Non-Finnish European, 0.00073%; no homozygotes.

Submission:

Labcorp Genetics (formerly Invitae), Labcorp
Classification: Uncertain significance. Last evaluated: 2024-02-17. Review status: criteria provided, single submitter. Criteria: Invitae Variant Classification Sherloc (09022015). Collection method: clinical testing. Allele origin: germline.
Comment: This sequence change falls in intron 8 of the MCM5 gene. It does not directly change the encoded amino acid sequence of the MCM5 protein. It affects a nucleotide within the consensus splice site. This variant is not present in population databases (gnomAD no frequency). This variant has not been reported in the literature in individuals affected with MCM5-related conditions. Variants that disrupt the consensus splice site are a relatively common cause of aberrant splicing (PMID: 17576681, 9536098). Algorithms developed to predict the effect of sequence changes on RNA splicing suggest that this variant is not likely to affect RNA splicing. In summary, the available evidence is currently insufficient to determine the role of this variant in disease. Therefore, it has been classified as a Variant of Uncertain Significance.

Literature cited by the submitters: PubMed 17576681; PubMed 9536098.